The following is an entry in ClinVar:

ClinVar aggregate classification (germline): Uncertain significance (1 of 4 stars; one submission).

Conditions:
MSX1-related disorder. Also called: MSX1-related condition.

Submission:

PreventionGenetics, part of Exact Sciences
Classification: Uncertain significance for MSX1-related condition. Last evaluated: 2023-08-01. Review status: criteria provided, single submitter. Criteria: ACMG Guidelines, 2015. Collection method: clinical testing. Allele origin: germline.
Comment: The MSX1 c.650A>G variant is predicted to result in the amino acid substitution p.Lys217Arg. To our knowledge, this variant has not been reported in the literature or in a large population database, indicating this variant is rare. At this time, the clinical significance of this variant is uncertain due to the absence of conclusive functional and genetic evidence.

NM_002448.3(MSX1):c.650A>G (p.Lys217Arg)

Gene: MSX1 (msh homeobox 1; plus strand). Cytogenetic location: 4p16.2.
Variant type: single nucleotide variant.
Coding change: c.650A>G on transcript NM_002448.3 (MANE Select); coding-DNA position 650, A replaced by G.
Protein change: p.Lys217Arg; replaces lysine 217 with arginine.
Molecular consequence: missense variant.
Genome position (GRCh38, 1-based): chr4:4,862,881, A>G. VCF-style: chr4-4862881-A-G. GRCh37 (hg19) VCF-style: chr4-4864608-A-G.
Other names: short protein forms K217R.
Identifiers: ClinVar variation 2631265 (VCV002631265.1), dbSNP rs2474114083, ClinGen allele CA356138554.